The following is an entry in ClinVar:

NM_007294.4(BRCA1):c.4810C>T (p.Gln1604Ter)

Gene: BRCA1 (BRCA1 DNA repair associated; minus strand). Cytogenetic location: 17q21.31.
Variant type: single nucleotide variant.
Coding change: c.4810C>T on transcript NM_007294.4 (MANE Select); coding-DNA position 4810, C replaced by T.
Protein change: p.Gln1604Ter; replaces glutamine 1604 with a stop codon.
Molecular consequence: nonsense. On other transcripts: non-coding transcript variant (1).
Genome position (GRCh38, 1-based): chr17:43,071,104, G>A on the plus strand (C>T on the coding strand, the complement: BRCA1 is on the minus strand). VCF-style: chr17-43071104-G-A. GRCh37 (hg19) VCF-style: chr17-41223121-G-A.
Other names: c.4873C>T (NM_007300.3); c.4807C>T, p.Gln1603Ter (NM_001407620.1, NM_001407621.1, NM_001407622.1 and 17 more transcripts); c.4804C>T, p.Gln1602Ter (NM_001407627.1, NM_001407628.1, NM_001407629.1 and 14 more transcripts); c.4801C>T, p.Gln1601Ter (NM_001407644.1, NM_001407645.1); c.4798C>T, p.Gln1600Ter (NM_001407646.1); c.4795C>T, p.Gln1599Ter (NM_001407647.1); c.4753C>T, p.Gln1585Ter (NM_001407648.1); c.4750C>T, p.Gln1584Ter (NM_001407649.1); and 71 more; short protein forms Q1604*, Q1625*, Q500*, Q1557*, Q1308*, Q1435*, Q1491*, Q1492*.
Identifiers: ClinVar variation 55291 (VCV000055291.22), dbSNP rs80357352, ClinGen allele CA003031.

ClinVar aggregate classification (germline): Pathogenic. Review status: reviewed by expert panel (3 of 4 stars). 7 submissions from 7 submitters: Pathogenic (1). 6 of the submissions do not count toward it. Last evaluated 2016-09-08.

Conditions:
Hereditary cancer-predisposing syndrome. Also called: Hereditary Cancer Syndrome; Hereditary neoplastic syndrome; Neoplastic Syndromes, Hereditary; Tumor predisposition. Identifiers: Orphanet 140162, MedGen C0027672, MeSH D009386, MONDO:0015356.
Breast-ovarian cancer, familial, susceptibility to, 1 (BROVCA1). Also called: BRCA1 Hereditary Breast and Ovarian Cancer; OVARIAN CANCER, SUSCEPTIBILITY TO. Identifiers: Orphanet 145, MedGen C2676676, MONDO:0011450, OMIM 604370. Disease mechanism: loss of function.
Hereditary breast ovarian cancer syndrome. Also called: BRCA1- and BRCA2-Associated Hereditary Breast and Ovarian Cancer; Hereditary breast and ovarian cancer syndrome; Hereditary breast and ovarian cancer syndrome (HBOC); Breast and ovarian cancer; Hereditary breast and/or ovarian cancer syndrome; Hereditary breast and ovarian cancer. Identifiers: Orphanet 145, MedGen C0677776, MeSH D061325, MONDO:0003582. Disease mechanism: loss of function.

Allele frequency attached by ClinVar (database versions not stated): TOPMed below 0.00001.

Submissions (7):

Evidence-based Network for the Interpretation of Germline Mutant Alleles (ENIGMA)
Classification: Pathogenic for Breast-ovarian cancer, familial, susceptibility to, 1. Last evaluated: 2016-09-08. Review status: reviewed by expert panel. Criteria: ENIGMA BRCA1/2 Classification Criteria (2015). Collection method: curation. Allele origin: germline.
Comment: Variant allele predicted to encode a truncated non-functional protein.

Ambry Genetics
Classification: Pathogenic for Hereditary cancer-predisposing syndrome. Last evaluated: 2025-01-28. Review status: criteria provided, single submitter. Criteria: Ambry Variant Classification Scheme 2023. Collection method: clinical testing. Allele origin: germline. Not counted in ClinVar's aggregate classification.
Comment: The p.Q1604* pathogenic mutation (also known as c.4810C>T) located in coding exon 14 of the BRCA1 gene, results from a C to T substitution at nucleotide position 4810. This changes the amino acid from a glutamine to a stop codon within coding exon 14. This mutation has been identified in high-risk breast/ovarian cancer families in France and Spain (Laplace-Marieze V et al, Hum. Mutat. 1997; 9(5):474-5; de Juan Jim&eacute;nez I et al, Fam. Cancer 2013 Dec; 12(4):767-77) as well as in a large, worldwide study of BRCA1/2 mutation positive families (Rebbeck TR et al. Hum. Mutat. 2018 05;39:593-620). Of note, this pathogenic mutation may be designated as 4929C>T in some literature. This variant is considered to be rare based on population cohorts in the Genome Aggregation Database (gnomAD). In addition to the clinical data presented in the literature, this alteration is expected to result in loss of function by premature protein truncation or nonsense-mediated mRNA decay. As such, this alteration is interpreted as a disease-causing mutation.

KCCC/NGS Laboratory, Kuwait Cancer Control Center
Classification: Pathogenic for Breast-ovarian cancer, familial, susceptibility to, 1. Last evaluated: 2024-05-27. Review status: criteria provided, single submitter. Criteria: ACMG Guidelines, 2015. Collection method: clinical testing. Allele origin: germline. Inheritance: Autosomal dominant inheritance. Affected: yes. Observed: 1 heterozygote. Not counted in ClinVar's aggregate classification.
Comment: This sequence change creates a premature translational stop signal (p.Gln1625Ter) in the BRCA1 gene. It is expected to result in an absent or disrupted protein product. Loss-of-function variants in BRCA1 are known to be pathogenic (PMID: 20104584). This variant is not present in population databases (gnomAD no frequency). This premature translational stop signal has been observed in individual(s) with a personal and/or family history of breast and/or ovarian cancer (PMID: 9143931, 23479189, 29446198). ClinVar contains an entry for this variant (Variation ID: 55291) classified as pathogenic reviewed by expert panel. For these reasons, this variant has been classified as Pathogenic.

Labcorp Genetics (formerly Invitae), Labcorp
Classification: Pathogenic for Hereditary breast ovarian cancer syndrome. Last evaluated: 2024-05-14. Review status: criteria provided, single submitter. Criteria: Invitae Variant Classification Sherloc (09022015). Collection method: clinical testing. Allele origin: germline. Not counted in ClinVar's aggregate classification.
Comment: This sequence change creates a premature translational stop signal (p.Gln1604*) in the BRCA1 gene. It is expected to result in an absent or disrupted protein product. Loss-of-function variants in BRCA1 are known to be pathogenic (PMID: 20104584). This variant is not present in population databases (gnomAD no frequency). This premature translational stop signal has been observed in individual(s) with a personal and/or family history of breast and/or ovarian cancer (PMID: 9143931, 23479189, 29446198). ClinVar contains an entry for this variant (Variation ID: 55291). For these reasons, this variant has been classified as Pathogenic.

Consortium of Investigators of Modifiers of BRCA1/2 (CIMBA), c/o University of Cambridge
Classification: Pathogenic for Breast-ovarian cancer, familial, susceptibility to, 1. Last evaluated: 2015-10-02. Review status: criteria provided, single submitter. Criteria: CIMBA Mutation Classification guidelines May 2016. Collection method: clinical testing. Allele origin: germline. Not counted in ClinVar's aggregate classification.

GeneDx
Classification: Pathogenic. Last evaluated: 2015-08-17. Review status: criteria provided, single submitter. Criteria: GeneDx Variant Classification (06012015). Collection method: clinical testing. Allele origin: germline. Affected: yes. Not counted in ClinVar's aggregate classification.
Comment: The BRCA1 c.4810C>T substitution, also known as BRCA1 4929C>T using alternate nomenclature, creates a nonsensevariant which changes a Glutamine to a premature stop codon (CAA>TAA) in exon 15, and is predicted to cause lossof normal protein function through either protein truncation or nonsense-mediated mRNA decay. This variant hasbeen reported in individuals with a personal and family history of early-onset and bilateral breast cancer (Laplace-Marieze 1997, de Juan Jimenez 2013). We consider this variant to be pathogenic.

Breast Cancer Information Core (BIC) (BRCA1)
Classification: Pathogenic for Breast-ovarian cancer, familial 1. Last evaluated: 1997-04-14. Review status: no assertion criteria provided. Collection method: clinical testing. Allele origin: germline. Affected: yes. Observed: 1 variant allele. Not counted in ClinVar's aggregate classification.

Literature cited by the submitters: PubMed 23479189 (cited by Ambry Genetics and Labcorp Genetics (formerly Invitae), Labcorp); PubMed 29446198 (cited by Ambry Genetics and Labcorp Genetics (formerly Invitae), Labcorp); PubMed 9143931 (cited by Ambry Genetics and Labcorp Genetics (formerly Invitae), Labcorp); PubMed 20104584 (cited by Labcorp Genetics (formerly Invitae), Labcorp).